The following is an entry in ClinVar:

NM_000350.3(ABCA4):c.500T>C (p.Leu167Pro)

Gene: ABCA4 (ATP binding cassette subfamily A member 4; minus strand). Cytogenetic location: 1p22.1.
Variant type: single nucleotide variant.
Coding change: c.500T>C on transcript NM_000350.3 (MANE Select); coding-DNA position 500, T replaced by C.
Protein change: p.Leu167Pro; replaces leucine 167 with proline.
Molecular consequence: missense variant.
Genome position (GRCh38, 1-based): chr1:94,103,085, A>G on the plus strand (T>C on the coding strand, the complement: ABCA4 is on the minus strand). VCF-style: chr1-94103085-A-G. GRCh37 (hg19) VCF-style: chr1-94568641-A-G.
Other names: c.500T>C, p.Leu167Pro (NM_001425324.1); short protein forms L167P.
Identifiers: ClinVar variation 4686739 (VCV004686739.2).

ClinVar aggregate classification (germline): Uncertain significance (1 of 4 stars; one submission).

Submission:

GeneDx
Classification: Uncertain significance. Last evaluated: 2026-05-07. Review status: criteria provided, single submitter. Criteria: GeneDx Variant Classification Process June 2021. Collection method: clinical testing. Allele origin: germline.
Comment: Has not been previously published as pathogenic or benign to our knowledge; Not observed at significant frequency in large population cohorts (gnomAD); In silico analysis supports that this missense variant has a deleterious effect on protein structure/function